The following is an entry in ClinVar:

ClinVar aggregate classification (germline): Uncertain significance (1 of 4 stars; one submission).

gnomAD v4.1: 6 of 1,613,274 alleles (0.00037%); highest among the groups gnomAD compares: Non-Finnish European, 0.00042%; no homozygotes.

Submission:

CeGaT Center for Human Genetics Tuebingen
Classification: Uncertain significance. Last evaluated: 2026-07-01. Review status: criteria provided, single submitter. Criteria: CeGaT Center For Human Genetics Tuebingen Variant Classification Criteria Version 2. Collection method: clinical testing. Allele origin: germline. Affected: yes. Observed: 1 variant allele.
Comment: NIPBL: PP2, PP3

NM_133433.4(NIPBL):c.52A>G (p.Ser18Gly)

Gene: NIPBL (NIPBL cohesin loading factor; plus strand). Cytogenetic location: 5p13.2.
Variant type: single nucleotide variant.
Coding change: c.52A>G on transcript NM_133433.4 (MANE Select); coding-DNA position 52, A replaced by G.
Protein change: p.Ser18Gly; replaces serine 18 with glycine.
Molecular consequence: missense variant.
Genome position (GRCh38, 1-based): chr5:36,953,748, A>G. VCF-style: chr5-36953748-A-G. GRCh37 (hg19) VCF-style: chr5-36953850-A-G.
Other names: c.52A>G, p.Ser18Gly (NM_001438586.1, NM_015384.5); short protein forms S18G.
Identifiers: ClinVar variation 5039512 (VCV005039512.1).